The following is an entry in ClinVar:

ClinVar aggregate classification (germline): Pathogenic (1 of 4 stars; one submission).

Conditions:
Intellectual developmental disorder with or without epilepsy or cerebellar ataxia. Identifiers: MedGen C4748041, MONDO:0060745, OMIM 618060.

Submission:

Mendelics
Classification: Pathogenic for Intellectual developmental disorder with or without epilepsy or cerebellar ataxia. Last evaluated: 2026-03-28. Review status: criteria provided, single submitter. Criteria: ACMG Guidelines, 2015. Collection method: clinical testing. Allele origin: unknown.
Comment: Deletion of RORA gene.

Single allele

Genes: ICE2 (interactor of little elongation complex ELL subunit 2; minus strand), RORA (RAR related orphan receptor A; minus strand), RORA-AS1 (RORA antisense RNA 1; plus strand), LOC130057196 (ATAC-STARR-seq lymphoblastoid active region 9508; plus strand), LOC130057197 (ATAC-STARR-seq lymphoblastoid active region 9509; plus strand). Cytogenetic location: 15q22.2.
Variant type: Deletion.
Identifiers: ClinVar variation 4820238 (VCV004820238.1).